The following is an entry in ClinVar:

NM_002816.5(PSMD12):c.544C>T (p.Arg182Ter)

Gene: PSMD12 (proteasome 26S subunit, non-ATPase 12; minus strand). Cytogenetic location: 17q24.2.
Variant type: single nucleotide variant.
Coding change: c.544C>T on transcript NM_002816.5 (MANE Select); coding-DNA position 544, C replaced by T.
Protein change: p.Arg182Ter; replaces arginine 182 with a stop codon.
Molecular consequence: nonsense.
Genome position (GRCh38, 1-based): chr17:67,347,452, G>A on the plus strand (C>T on the coding strand, the complement: PSMD12 is on the minus strand). VCF-style: chr17-67347452-G-A. GRCh37 (hg19) VCF-style: chr17-65343568-G-A.
Other names: c.544C>T (NM_002816.4); c.367C>T, p.Arg123Ter (NM_001316341.2); c.484C>T, p.Arg162Ter (NM_174871.4); short protein forms R182*, R123*, R162*.
Identifiers: ClinVar variation 620300 (VCV000620300.6), dbSNP rs1567954436, ClinGen allele CA400805053.

ClinVar aggregate classification (germline): Pathogenic. Review status: criteria provided, multiple submitters, no conflicts (2 of 4 stars). 4 submissions from 4 submitters: Pathogenic (4). Last evaluated 2025-10-17.

Conditions:
PSMD12-related disorder. Also called: PSMD12-related condition.
Stankiewicz-Isidor syndrome (STISS). Identifiers: MedGen C4479599, MONDO:0054591, OMIM 617516.

Submissions (4):

3billion
Classification: Pathogenic for Stankiewicz-Isidor syndrome. Last evaluated: 2025-10-17. Review status: criteria provided, single submitter. Criteria: ACMG Guidelines, 2015. Collection method: clinical testing. Allele origin: germline. Affected: yes.
Comment: The variant is not observed in the gnomAD v4.1.0 dataset. Predicted Consequence/Location: Stop-gained (nonsense): predicted to result in a loss or disruption of normal protein function through nonsense-mediated decay (NMD) or protein truncation. Multiple pathogenic variants are reported downstream of the variant. The variant has been previously reported as de novo in a similarly affected individual (PMID: 34906456). The variant has been reported to be associated with PSMD12-related disorder (ClinVar ID: VCV000620300 /PMID: 34906456). Therefore, this variant is classified as Pathogenic according to the recommendation of ACMG/AMP guideline.

PreventionGenetics, part of Exact Sciences
Classification: Pathogenic for PSMD12-related condition. Last evaluated: 2024-10-04. Review status: criteria provided, single submitter. Criteria: ACMG Guidelines, 2015. Collection method: clinical testing. Allele origin: germline.
Comment: The PSMD12 c.544C>T variant is predicted to result in premature protein termination (p.Arg182*). This variant has been reported as de novo in an individual with Stankiewicz-Isidor syndrome (Table S2. Isidor et al. 2022. PubMed ID: 34906456). This variant has not been reported in a large population database (gnomAD), indicating this variant is rare. Nonsense variants in PSMD12 are expected to be pathogenic. This variant is interpreted as pathogenic.

GeneDx
Classification: Pathogenic. Last evaluated: 2024-06-24. Review status: criteria provided, single submitter. Criteria: GeneDx Variant Classification Process June 2021. Collection method: clinical testing. Allele origin: germline. Affected: yes.
Comment: Nonsense variant predicted to result in protein truncation or nonsense mediated decay in a gene for which loss of function is a known mechanism of disease; Not observed at significant frequency in large population cohorts (gnomAD); This variant is associated with the following publications: (PMID: 34906456)

Juno Genomics, Hangzhou Juno Genomics, Inc
Classification: Pathogenic for Stankiewicz-Isidor syndrome. Review status: criteria provided, single submitter. Criteria: ACMG Guidelines, 2015. Collection method: clinical testing. Allele origin: germline.
Comment: Absent from controls (or at extremely low frequency if recessive) in Genome Aggregation Database.;Null variant in a gene where loss of function (LOF) is a known mechanism of disease.;The prevalence of the variant in affected individuals is significantly increased compared to the prevalence in controls.;Assumed de novo, but without confirmation of paternity and maternity.

Literature cited by the submitters: PubMed 34906456 (cited by 3billion).